The following is an entry in ClinVar:

ClinVar aggregate classification (germline): Uncertain significance. Review status: criteria provided, multiple submitters, no conflicts (2 of 4 stars). 3 submissions from 3 submitters: Uncertain significance (3). Last evaluated 2025-09-13.

Conditions:
Autosomal dominant nonsyndromic hearing loss 1. Also called: KONIGSMARK SYNDROME; DEAFNESS, AUTOSOMAL DOMINANT 1, WITH OR WITHOUT THROMBOCYTOPENIA. Identifiers: Orphanet 90635, MedGen C1852282, MONDO:0007424, OMIM 124900.
Progressive microcephaly-seizures-cortical blindness-developmental delay syndrome. Also called: Seizures, cortical blindness, and microcephaly syndrome. Identifiers: Orphanet 477814, MedGen C5567650, MONDO:0014714, OMIM 616632.

Submissions (3):

Labcorp Genetics (formerly Invitae), Labcorp
Classification: Uncertain significance for Progressive microcephaly-seizures-cortical blindness-developmental delay syndrome; Autosomal dominant nonsyndromic hearing loss 1. Last evaluated: 2025-09-13. Review status: criteria provided, single submitter. Criteria: Invitae Variant Classification Sherloc (09022015). Collection method: clinical testing. Allele origin: germline.
Comment: This sequence change replaces glycine, which is neutral and non-polar, with glutamic acid, which is acidic and polar, at codon 20 of the DIAPH1 protein (p.Gly20Glu). This variant is present in population databases (no rsID available, gnomAD 0.001%). This variant has not been reported in the literature in individuals affected with DIAPH1-related conditions. ClinVar contains an entry for this variant (Variation ID: 1490844). Experimental studies and prediction algorithms are not available or were not evaluated, and the functional significance of this variant is currently unknown. In summary, the available evidence is currently insufficient to determine the role of this variant in disease. Therefore, it has been classified as a Variant of Uncertain Significance.

GeneDx
Classification: Uncertain significance. Last evaluated: 2024-02-23. Review status: criteria provided, single submitter. Criteria: GeneDx Variant Classification Process June 2021. Collection method: clinical testing. Allele origin: germline. Affected: yes.
Comment: In silico analysis supports that this variant does not alter protein structure/function; Has not been previously published as pathogenic or benign to our knowledge

Blueprint Genetics
Classification: Uncertain significance. Last evaluated: 2023-02-08. Review status: criteria provided, single submitter. Criteria: ACMG Guidelines, 2015. Collection method: clinical testing. Allele origin: germline.

NM_005219.5(DIAPH1):c.59_60delinsAA (p.Gly20Glu)

Gene: DIAPH1 (diaphanous related formin 1; minus strand). Cytogenetic location: 5q31.3.
Variant type: Indel.
Coding change: c.59_60delinsAA on transcript NM_005219.5 (MANE Select); coding-DNA positions 59 to 60, GC replaced by AA.
Protein change: p.Gly20Glu; replaces glycine 20 with glutamic acid.
Molecular consequence: missense variant.
Genome position (GRCh38, 1-based): chr5:141,618,855-141,618,856, GC replaced by TT on the plus strand (GC replaced by AA on the coding strand, the reverse complement: DIAPH1 is on the minus strand). VCF-style: chr5-141618855-GC-TT. GRCh37 (hg19) VCF-style: chr5-140998422-GC-TT.
Other names: c.59_60delinsAA, p.Gly20Glu (NM_001079812.3, NM_001314007.2); c.59_60delinsAA (NM_005219.4); short protein forms G20E.
Identifiers: ClinVar variation 1490844 (VCV001490844.8), dbSNP rs2154597565, ClinGen allele CA2573139219.